The following is an entry in ClinVar:

ClinVar aggregate classification (germline): Uncertain significance (1 of 4 stars; one submission).

gnomAD v4.1: 5 of 1,614,020 alleles (0.00031%); highest among the groups gnomAD compares: Non-Finnish European, 0.00042%; no homozygotes.

Submission:

Ambry Genetics
Classification: Uncertain significance. Last evaluated: 2025-06-07. Review status: criteria provided, single submitter. Criteria: Ambry Variant Classification Scheme 2023. Collection method: clinical testing. Allele origin: germline.
Comment: The p.E1012Q variant (also known as c.3034G>C), located in coding exon 11 of the CDK12 gene, results from a G to C substitution at nucleotide position 3034. The glutamic acid at codon 1012 is replaced by glutamine, an amino acid with highly similar properties. This amino acid position is conserved. In addition, the in silico prediction for this alteration is inconclusive. Based on the available evidence, the clinical significance of this variant remains unclear.

NM_016507.4(CDK12):c.3034G>C (p.Glu1012Gln)

Gene: CDK12 (cyclin dependent kinase 12; plus strand). Cytogenetic location: 17q12.
Variant type: single nucleotide variant.
Coding change: c.3034G>C on transcript NM_016507.4 (MANE Select); coding-DNA position 3034, G replaced by C.
Protein change: p.Glu1012Gln; replaces glutamic acid 1012 with glutamine.
Molecular consequence: missense variant.
Genome position (GRCh38, 1-based): chr17:39,520,026, G>C. VCF-style: chr17-39520026-G-C. GRCh37 (hg19) VCF-style: chr17-37676279-G-C.
Other names: c.3034G>C, p.Glu1012Gln (NM_015083.4); short protein forms E1012Q.
Identifiers: ClinVar variation 3999538 (VCV003999538.1).